The following is an entry in ClinVar:

ClinVar aggregate classification (germline): Likely benign. Review status: criteria provided, multiple submitters, no conflicts (2 of 4 stars). 2 submissions from 2 submitters: Likely benign (2). Last evaluated 2023-07-22.

Conditions:
RYR1-related disorder. Also called: RYR1-related condition; RYR1-related disorders. Identifiers: MedGen CN239331.
Malignant hyperthermia, susceptibility to, 1 (MHS1). Also called: Anesthesia related hyperthermia; Malignant hyperpyrexia; Fulminating hyperpyrexia; Pharmacogenic myopathy; Malignant hyperthermia suceptibility 1; RYR1-Related Malignant Hyperthermia Susceptibility. Identifiers: Orphanet 423, MedGen C2930980, MONDO:0007783, OMIM 145600.

Allele frequency attached by ClinVar (database versions not stated): gnomAD exomes below 0.00001; TOPMed 0.00002.
gnomAD v4.1: 1 of 1,612,988 alleles (0.000062%); highest among the groups gnomAD compares: Non-Finnish European, 0.000085%; no homozygotes.

Submissions (2):

All of Us Research Program, National Institutes of Health
Classification: Likely benign for Malignant hyperthermia, susceptibility to, 1. Last evaluated: 2023-07-22. Review status: criteria provided, single submitter. Criteria: ACMG Guidelines, 2015. Collection method: clinical testing. Allele origin: germline. Inheritance: Autosomal dominant inheritance. Observed: 1 variant allele, 1 heterozygote.
Comment: This study involves interpretation of variants in research participants for the purpose of population health screening. Participant phenotype was not available at the time of variant classification. Additional details can be found in publication PMID: 35346344, PMCID: PMC8962531

Labcorp Genetics (formerly Invitae), Labcorp
Classification: Likely benign for RYR1-related disorder. Last evaluated: 2018-09-28. Review status: criteria provided, single submitter. Criteria: Invitae Variant Classification Sherloc (09022015). Collection method: clinical testing. Allele origin: germline.

NM_000540.3(RYR1):c.7713C>G (p.Gly2571=)

Gene: RYR1 (ryanodine receptor 1; plus strand). Cytogenetic location: 19q13.2.
Variant type: single nucleotide variant.
Coding change: c.7713C>G on transcript NM_000540.3 (MANE Select); coding-DNA position 7713, C replaced by G.
Protein change: p.Gly2571=; no amino-acid change (glycine 2571 retained).
Molecular consequence: synonymous variant.
Genome position (GRCh38, 1-based): chr19:38,502,605, C>G. VCF-style: chr19-38502605-C-G. GRCh37 (hg19) VCF-style: chr19-38993245-C-G.
Other names: c.7713C>G, p.Gly2571= (NM_001042723.2).
Identifiers: ClinVar variation 1147876 (VCV001147876.10), dbSNP rs1159750263, ClinGen allele CA507243749.